The following is an entry in ClinVar:

NC_000023.10:g.(?_119575565)_(119660731_?)dup

Genes: CUL4B (cullin 4B; minus strand), LAMP2 (lysosome associated membrane protein 2; minus strand). Cytogenetic location: Xq24.
Variant type: Duplication.
Identifiers: ClinVar variation 3244094 (VCV003244094.1).

ClinVar aggregate classification (germline): Uncertain significance (1 of 4 stars; one submission).

Conditions:
Danon disease. Also called: ANTOPOL DISEASE; PSEUDOGLYCOGENOSIS II; GSD IIb; LYSOSOMAL GLYCOGEN STORAGE DISEASE WITHOUT ACID MALTASE DEFICIENCY; Glycogen Storage Disease Type IIb. Identifiers: Orphanet 34587, MedGen C0878677, MONDO:0010281, OMIM 300257.

Submission:

Labcorp Genetics (formerly Invitae), Labcorp
Classification: Uncertain significance for Danon disease. Last evaluated: 2023-07-25. Review status: criteria provided, single submitter. Criteria: Invitae Variant Classification Sherloc (09022015). Collection method: clinical testing. Allele origin: unknown.
Comment: This variant results in a copy number gain of the genomic region encompassing exon(s) 1-8 of the LAMP2 gene. This region includes the initiator codon of the gene. This copy number gain extends beyond the assayed region for this gene and therefore may encompass additional genes. As the precise location of this event is unknown, it may be in tandem or it may be located elsewhere in the genome. This variant has not been reported in the literature in individuals affected with LAMP2-related conditions. Experimental studies and prediction algorithms are not available or were not evaluated, and the functional significance of this variant is currently unknown. In summary, the available evidence is currently insufficient to determine the role of this variant in disease. Therefore, it has been classified as a Variant of Uncertain Significance.